The following is an entry in ClinVar:

NM_001256545.2(MEGF10):c.2341A>G (p.Met781Val)

Gene: MEGF10 (multiple EGF like domains 10; plus strand). Cytogenetic location: 5q23.2.
Variant type: single nucleotide variant.
Coding change: c.2341A>G on transcript NM_001256545.2 (MANE Select); coding-DNA position 2341, A replaced by G.
Protein change: p.Met781Val; replaces methionine 781 with valine.
Molecular consequence: missense variant.
Genome position (GRCh38, 1-based): chr5:127,440,846, A>G. VCF-style: chr5-127440846-A-G. GRCh37 (hg19) VCF-style: chr5-126776538-A-G.
Other names: c.2341A>G, p.Met781Val (NM_032446.3); short protein forms M781V.
Identifiers: ClinVar variation 1348997 (VCV001348997.5), dbSNP rs1293120056, ClinGen allele CA360733584.

ClinVar aggregate classification (germline): Uncertain significance (1 of 4 stars; one submission).

Conditions:
MEGF10-related myopathy (CMYO10A). Also called: Congenital myopathy 10A, severe variant. Identifiers: Orphanet 439212, MedGen C3280679, MONDO:0013731, OMIM 614399.

Allele frequency attached by ClinVar (database versions not stated): TOPMed below 0.00001; gnomAD exomes 0.00001; gnomAD 0.00002 and 0.00003.
gnomAD v4.1: 8 of 1,613,994 alleles (0.0005%); highest among the groups gnomAD compares: African/African-American, 0.008%; no homozygotes.

Submission:

Labcorp Genetics (formerly Invitae), Labcorp
Classification: Uncertain significance for MEGF10-related myopathy. Last evaluated: 2022-03-10. Review status: criteria provided, single submitter. Criteria: Invitae Variant Classification Sherloc (09022015). Collection method: clinical testing. Allele origin: germline.
Comment: This sequence change replaces methionine, which is neutral and non-polar, with valine, which is neutral and non-polar, at codon 781 of the MEGF10 protein (p.Met781Val). This variant is present in population databases (no rsID available, gnomAD 0.008%). This variant has not been reported in the literature in individuals affected with MEGF10-related conditions. Algorithms developed to predict the effect of missense changes on protein structure and function are either unavailable or do not agree on the potential impact of this missense change (SIFT: "Deleterious"; PolyPhen-2: "Probably Damaging"; Align-GVGD: "Class C15"). In summary, the available evidence is currently insufficient to determine the role of this variant in disease. Therefore, it has been classified as a Variant of Uncertain Significance.